The following is an entry in ClinVar:

NM_033100.4(CDHR1):c.1906C>T (p.Arg636Cys)

Gene: CDHR1 (cadherin related family member 1; plus strand). Cytogenetic location: 10q23.1.
Variant type: single nucleotide variant.
Coding change: c.1906C>T on transcript NM_033100.4 (MANE Select); coding-DNA position 1906, C replaced by T.
Protein change: p.Arg636Cys; replaces arginine 636 with cysteine.
Molecular consequence: missense variant.
Genome position (GRCh38, 1-based): chr10:84,213,214, C>T. VCF-style: chr10-84213214-C-T. GRCh37 (hg19) VCF-style: chr10-85972970-C-T.
Other names: c.1906C>T, p.Arg636Cys (NM_001171971.3); short protein forms R636C.
Identifiers: ClinVar variation 720681 (VCV000720681.14), dbSNP rs148280890, ClinGen allele CA5580086.

ClinVar aggregate classification (germline): Likely benign. Review status: criteria provided, multiple submitters, no conflicts (2 of 4 stars). 4 submissions from 4 submitters: Likely benign (3). 1 of the submissions does not count toward it. Last evaluated 2026-01-12.

Conditions:
CDHR1-related disorder. Also called: CDHR1-related condition.

Allele frequency attached by ClinVar (database versions not stated): gnomAD exomes 0.00014 and 0.00031; ExAC 0.00037; 1000 Genomes Project 0.00060; 1000 Genomes Project 30x 0.00062; TOPMed 0.00122; gnomAD 0.00125 and 0.00136; ESP Exome Variant Server 0.00131.
gnomAD v4.1: 387 of 1,614,216 alleles (0.024%); highest among the groups gnomAD compares: African/African-American, 0.44%; no homozygotes.

Submissions (4):

Labcorp Genetics (formerly Invitae), Labcorp
Classification: Likely benign. Last evaluated: 2026-01-12. Review status: criteria provided, single submitter. Criteria: Invitae Variant Classification Sherloc (09022015). Collection method: clinical testing. Allele origin: germline.

Blueprint Genetics
Classification: Likely benign. Last evaluated: 2024-05-28. Review status: criteria provided, single submitter. Criteria: ACMG Guidelines, 2015. Collection method: clinical testing. Allele origin: germline.

Breakthrough Genomics
Classification: Likely benign. Review status: criteria provided, single submitter. Criteria: ACMG Guidelines, 2015. Collection method: not provided. Allele origin: germline. Inheritance: Autosomal recessive inheritance. Affected: yes.

PreventionGenetics, part of Exact Sciences
Classification: Likely benign for CDHR1-related condition. Last evaluated: 2024-09-13. Review status: no assertion criteria provided. Collection method: clinical testing. Allele origin: germline. Not counted in ClinVar's aggregate classification.
Comment: This variant is classified as likely benign based on ACMG/AMP sequence variant interpretation guidelines (Richards et al. 2015 PMID: 25741868, with internal and published modifications).